The following is an entry in ClinVar:

NM_006258.4(PRKG1):c.936-3T>C

Gene: PRKG1 (protein kinase cGMP-dependent 1; plus strand). Cytogenetic location: 10q21.1.
Variant type: single nucleotide variant.
Coding change: c.936-3T>C on transcript NM_006258.4 (MANE Select); 3 bases into the intron before coding-DNA position 936, T replaced by C.
Molecular consequence: intron variant.
Genome position (GRCh38, 1-based): chr10:52,133,837, T>C. VCF-style: chr10-52133837-T-C. GRCh37 (hg19) VCF-style: chr10-53893597-T-C.
Other names: c.891-3T>C (NM_001098512.3); c.-274-3T>C (NM_001374781.1).
Identifiers: ClinVar variation 1900090 (VCV001900090.5), dbSNP rs771642369, ClinGen allele CA5503701.

ClinVar aggregate classification (germline): Uncertain significance (1 of 4 stars; one submission).

Conditions:
Aortic aneurysm, familial thoracic 8 (AAT8). Identifiers: MedGen C3809513, MONDO:0014187, OMIM 615436.

Allele frequency attached by ClinVar (database versions not stated): ExAC 0.00001; gnomAD 0.00001; gnomAD exomes 0.00001.
gnomAD v4.1: 4 of 1,611,822 alleles (0.00025%); highest among the groups gnomAD compares: Admixed American, 0.0067%; no homozygotes.

Submission:

Labcorp Genetics (formerly Invitae), Labcorp
Classification: Uncertain significance for Aortic aneurysm, familial thoracic 8. Last evaluated: 2022-02-06. Review status: criteria provided, single submitter. Criteria: Invitae Variant Classification Sherloc (09022015). Collection method: clinical testing. Allele origin: germline.
Comment: This sequence change falls in intron 7 of the PRKG1 gene. It does not directly change the encoded amino acid sequence of the PRKG1 protein. It affects a nucleotide within the consensus splice site. This variant is present in population databases (rs771642369, gnomAD 0.009%). In summary, the available evidence is currently insufficient to determine the role of this variant in disease. Therefore, it has been classified as a Variant of Uncertain Significance. Variants that disrupt the consensus splice site are a relatively common cause of aberrant splicing (PMID: 17576681, 9536098). Algorithms developed to predict the effect of sequence changes on RNA splicing suggest that this variant is not likely to affect RNA splicing. This variant has not been reported in the literature in individuals affected with PRKG1-related conditions.

Literature cited by the submitters: PubMed 17576681; PubMed 9536098.